The following is an entry in ClinVar:

NM_000535.7(PMS2):c.1653C>A (p.Cys551Ter)

Gene: PMS2 (PMS1 homolog 2, mismatch repair system component; minus strand). Cytogenetic location: 7p22.1.
Variant type: single nucleotide variant.
Coding change: c.1653C>A on transcript NM_000535.7 (MANE Select); coding-DNA position 1653, C replaced by A.
Protein change: p.Cys551Ter; replaces cysteine 551 with a stop codon.
Molecular consequence: nonsense. On other transcripts: non-coding transcript variant (1).
Genome position (GRCh38, 1-based): chr7:5,987,112, G>T on the plus strand (C>A on the coding strand, the complement: PMS2 is on the minus strand). VCF-style: chr7-5987112-G-T. GRCh37 (hg19) VCF-style: chr7-6026743-G-T.
Other names: c.1335C>A, p.Cys445Ter (NM_001322008.2, NM_001322007.2); c.1248C>A, p.Cys416Ter (NM_001322009.2, NM_001322003.2, NM_001322004.2 and 1 more transcripts); c.1092C>A, p.Cys364Ter (NM_001322010.2); c.720C>A, p.Cys240Ter (NM_001322012.2, NM_001322011.2); c.1080C>A, p.Cys360Ter (NM_001322013.2); c.1344C>A, p.Cys448Ter (NM_001322015.2); c.1653C>A, p.Cys551Ter (NM_001322014.2); c.1497C>A, p.Cys499Ter (NM_001322006.2); short protein forms C551*, C240*, C416*, C448*, C499*, C360*, C364*, C445*.
Identifiers: ClinVar variation 411087 (VCV000411087.21), dbSNP rs876659162, ClinGen allele CA16612257.

ClinVar aggregate classification (germline): Pathogenic/Likely pathogenic. Review status: criteria provided, multiple submitters, no conflicts (2 of 4 stars). 6 submissions from 6 submitters: Pathogenic (4); Likely pathogenic (1). 1 of the submissions does not count toward it. Last evaluated 2024-11-06.

Conditions:
Lynch syndrome. Identifiers: Orphanet 144, MedGen C4552100, MONDO:0005835. Disease mechanism: loss of function.
Hereditary cancer-predisposing syndrome. Also called: Tumor predisposition; Hereditary Cancer Syndrome; Hereditary neoplastic syndrome; Neoplastic Syndromes, Hereditary. Identifiers: Orphanet 140162, MedGen C0027672, MeSH D009386, MONDO:0015356.
Lynch syndrome 4 (LYNCH4). Also called: Colorectal cancer, hereditary nonpolyposis, type 4; Hereditary non-polyposis colorectal cancer, type 4. Identifiers: Orphanet 144, MedGen C1838333, MONDO:0013699, OMIM 614337. Disease mechanism: loss of function.
Hereditary nonpolyposis colorectal neoplasms. Identifiers: MedGen C0009405, MeSH D003123.

gnomAD v4.1: 4 of 1,614,020 alleles (0.00025%); highest among the groups gnomAD compares: Non-Finnish European, 0.00034%; no homozygotes.

Submissions (6):

Labcorp Genetics (formerly Invitae), Labcorp
Classification: Pathogenic for Hereditary nonpolyposis colorectal neoplasms. Last evaluated: 2024-11-06. Review status: criteria provided, single submitter. Criteria: Invitae Variant Classification Sherloc (09022015). Collection method: clinical testing. Allele origin: germline.
Comment: This sequence change creates a premature translational stop signal (p.Cys551*) in the PMS2 gene. It is expected to result in an absent or disrupted protein product. Loss-of-function variants in PMS2 are known to be pathogenic (PMID: 21376568, 24362816). This variant is not present in population databases (gnomAD no frequency). This variant has not been reported in the literature in individuals affected with PMS2-related conditions. ClinVar contains an entry for this variant (Variation ID: 411087). For these reasons, this variant has been classified as Pathogenic.

Myriad Genetics, Inc.
Classification: Pathogenic for Lynch syndrome 4. Last evaluated: 2023-09-20. Review status: criteria provided, single submitter. Criteria: Myriad Autosomal Dominant, Autosomal Recessive and X-Linked Classification Criteria (2023). Collection method: clinical testing. Allele origin: unknown.
Comment: This variant is considered pathogenic. This variant creates a termination codon and is predicted to result in premature protein truncation.

GeneDx
Classification: Pathogenic. Last evaluated: 2023-08-10. Review status: criteria provided, single submitter. Criteria: GeneDx Variant Classification Process June 2021. Collection method: clinical testing. Allele origin: germline. Affected: yes.
Comment: Nonsense variant predicted to result in protein truncation or nonsense mediated decay in a gene for which loss of function is a known mechanism of disease; Not observed at significant frequency in large population cohorts (gnomAD); Truncating variants in this gene are considered pathogenic by a well-established clinical consortium and/or database; This variant is associated with the following publications: (PMID: 33087929)

Ambry Genetics
Classification: Pathogenic for Hereditary cancer-predisposing syndrome. Last evaluated: 2021-03-03. Review status: criteria provided, single submitter. Criteria: Ambry Variant Classification Scheme 2023. Collection method: clinical testing. Allele origin: germline.
Comment: The p.C551* pathogenic mutation (also known as c.1653C>A), located in coding exon 11 of the PMS2 gene, results from a C to A substitution at nucleotide position 1653. This changes the amino acid from a cysteine to a stop codon within coding exon 11. This alteration is expected to result in loss of function by premature protein truncation or nonsense-mediated mRNA decay. As such, this alteration is interpreted as a disease-causing mutation.

Laboratory for Molecular Medicine, Mass General Brigham Personalized Medicine
Classification: Likely pathogenic for Lynch syndrome. Last evaluated: 2019-05-08. Review status: criteria provided, single submitter. Criteria: ACMG Guidelines, 2015. Collection method: clinical testing. Allele origin: germline.
Comment: The p.Cys551X variant in PMS2 has not been previously reported in individuals with Lynch syndrome and was absent from large population studies. This variant has also been reported in ClinVar (Variation ID 411087). This nonsense variant leads to a premature termination codon at position 551, which is predicted to lead to a truncated or absent protein. Loss of function of the PMS2 gene is an established disease mechanism in autosomal dominant Lynch syndrome. In summary, although additional studies are required to fully establish its clinical significance, this variant meets criteria to be classified as likely pathogenic for autosomal dominant Lynch syndrome. ACMG/AMP Criteria applied: PVS1, PM2.

Mayo Clinic Laboratories, Mayo Clinic
Classification: Pathogenic. Review status: no assertion criteria provided. Collection method: clinical testing. Allele origin: unknown. Not counted in ClinVar's aggregate classification.

Literature cited by the submitters: PubMed 21376568 (cited by Labcorp Genetics (formerly Invitae), Labcorp); PubMed 24362816 (cited by Labcorp Genetics (formerly Invitae), Labcorp).